The following is an entry in ClinVar:

NM_000138.5(FBN1):c.7852G>T (p.Gly2618Ter)

Gene: FBN1 (fibrillin 1; minus strand). Cytogenetic location: 15q21.1.
Variant type: single nucleotide variant.
Coding change: c.7852G>T on transcript NM_000138.5 (MANE Select); coding-DNA position 7852, G replaced by T.
Protein change: p.Gly2618Ter; replaces glycine 2618 with a stop codon.
Molecular consequence: nonsense.
Genome position (GRCh38, 1-based): chr15:48,415,735, C>A on the plus strand (G>T on the coding strand, the complement: FBN1 is on the minus strand). VCF-style: chr15-48415735-C-A. GRCh37 (hg19) VCF-style: chr15-48707932-C-A.
Other names: short protein forms G2618*.
Identifiers: ClinVar variation 406331 (VCV000406331.11), dbSNP rs141133182, ClinGen allele CA16614391.

ClinVar aggregate classification (germline): Pathogenic (1 of 4 stars; one submission).

Conditions:
Marfan syndrome (MFS). Also called: Marfan syndrome, classic; Marfan syndrome type 1; Marfan's syndrome; MARFAN SYNDROME, TYPE I; FBN1-Related Marfan Syndrome. Identifiers: Orphanet 284963, Orphanet 558, MedGen C0024796, MONDO:0007947, OMIM 154700.
Familial thoracic aortic aneurysm and aortic dissection (TAAD). Also called: Thoracic aortic aneurysms and dissections. Identifiers: Orphanet 91387, MedGen C4707243, MONDO:0019625.

Submission:

Labcorp Genetics (formerly Invitae), Labcorp
Classification: Pathogenic for Marfan syndrome; Familial thoracic aortic aneurysm and aortic dissection. Last evaluated: 2023-10-07. Review status: criteria provided, single submitter. Criteria: Invitae Variant Classification Sherloc (09022015). Collection method: clinical testing. Allele origin: germline.
Comment: This sequence change creates a premature translational stop signal (p.Gly2618*) in the FBN1 gene. It is expected to result in an absent or disrupted protein product. Loss-of-function variants in FBN1 are known to be pathogenic (PMID: 17657824, 19293843). This variant is not present in population databases (gnomAD no frequency). This premature translational stop signal has been observed in individual(s) with clinical features of Marfan syndrome (PMID: 27906200). ClinVar contains an entry for this variant (Variation ID: 406331). For these reasons, this variant has been classified as Pathogenic.

Literature cited by the submitters: PubMed 17657824; PubMed 19293843; PubMed 27906200.